The following is an entry in ClinVar:

ClinVar aggregate classification (germline): Uncertain significance. Review status: criteria provided, multiple submitters, no conflicts (2 of 4 stars). 2 submissions from 2 submitters: Uncertain significance (2). Last evaluated 2025-08-18.

Conditions:
Hereditary cancer-predisposing syndrome. Also called: Tumor predisposition; Hereditary neoplastic syndrome; Hereditary Cancer Syndrome; Neoplastic Syndromes, Hereditary. Identifiers: Orphanet 140162, MedGen C0027672, MeSH D009386, MONDO:0015356.
Hereditary nonpolyposis colorectal neoplasms. Identifiers: MedGen C0009405, MeSH D003123.

Submissions (2):

Labcorp Genetics (formerly Invitae), Labcorp
Classification: Uncertain significance for Hereditary nonpolyposis colorectal neoplasms. Last evaluated: 2025-08-18. Review status: criteria provided, single submitter. Criteria: Invitae Variant Classification Sherloc (09022015). Collection method: clinical testing. Allele origin: germline.
Comment: This sequence change replaces tyrosine, which is neutral and polar, with histidine, which is basic and polar, at codon 1128 of the MSH6 protein (p.Tyr1128His). This variant is not present in population databases (gnomAD no frequency). This variant has not been reported in the literature in individuals affected with MSH6-related conditions. ClinVar contains an entry for this variant (Variation ID: 1462917). Invitae Evidence Modeling of protein sequence and biophysical properties (such as structural, functional, and spatial information, amino acid conservation, physicochemical variation, residue mobility, and thermodynamic stability) indicates that this missense variant is not expected to disrupt MSH6 protein function with a negative predictive value of 95%. In summary, the available evidence is currently insufficient to determine the role of this variant in disease. Therefore, it has been classified as a Variant of Uncertain Significance.

Ambry Genetics
Classification: Uncertain significance for Hereditary cancer-predisposing syndrome. Last evaluated: 2023-09-06. Review status: criteria provided, single submitter. Criteria: Ambry Variant Classification Scheme 2023. Collection method: clinical testing. Allele origin: germline.
Comment: The p.Y1128H variant (also known as c.3382T>C), located in coding exon 5 of the MSH6 gene, results from a T to C substitution at nucleotide position 3382. The tyrosine at codon 1128 is replaced by histidine, an amino acid with similar properties. This amino acid position is conserved. In addition, this alteration is predicted to be tolerated by in silico analysis. Since supporting evidence is limited at this time, the clinical significance of this alteration remains unclear.

NM_000179.3(MSH6):c.3382T>C (p.Tyr1128His)

Gene: MSH6 (mutS homolog 6; plus strand). Cytogenetic location: 2p16.3.
Variant type: single nucleotide variant.
Coding change: c.3382T>C on transcript NM_000179.3 (MANE Select); coding-DNA position 3382, T replaced by C.
Protein change: p.Tyr1128His; replaces tyrosine 1128 with histidine.
Molecular consequence: missense variant.
Genome position (GRCh38, 1-based): chr2:47,803,629, T>C. VCF-style: chr2-47803629-T-C. GRCh37 (hg19) VCF-style: chr2-48030768-T-C.
Other names: c.2992T>C, p.Tyr998His (NM_001281492.2); c.2476T>C, p.Tyr826His (NM_001281493.2, NM_001281494.2); c.3382T>C (NM_000179.2); short protein forms Y1128H, Y826H, Y998H.
Identifiers: ClinVar variation 1462917 (VCV001462917.10), dbSNP rs2104483544, ClinGen allele CA346758827.